The following is an entry in ClinVar:

NM_014000.3(VCL):c.2255G>A (p.Gly752Glu)

Gene: VCL (vinculin; plus strand). Cytogenetic location: 10q22.2.
Variant type: single nucleotide variant.
Coding change: c.2255G>A on transcript NM_014000.3 (MANE Select); coding-DNA position 2255, G replaced by A.
Protein change: p.Gly752Glu; replaces glycine 752 with glutamic acid.
Molecular consequence: missense variant.
Genome position (GRCh38, 1-based): chr10:74,105,174, G>A. VCF-style: chr10-74105174-G-A. GRCh37 (hg19) VCF-style: chr10-75864932-G-A.
Other names: c.2255G>A, p.Gly752Glu (NM_003373.4); short protein forms G752E.
Identifiers: ClinVar variation 1508124 (VCV001508124.9), dbSNP rs2131928418, ClinGen allele CA377262268.
Genomic context (GRCh38, chr10:74,105,174, plus strand): 5'-AAGACCTGGACAAGTGCAAGGTAGCTATGGCCAACATTCAGCCTCAGATGCTGGTTGCTG[G>A]GGCAACCAGTATTGCTCGTCGGGCCAACCGGATCCTGCTGGTGGCTAAGAGGGAGGTGGA-3'
Protein context (NP_054706.1, residues 742-762): ANIQPQMLVA[Gly752Glu]ATSIARRANR

ClinVar aggregate classification (germline): Uncertain significance. Review status: criteria provided, multiple submitters, no conflicts (2 of 4 stars). 2 submissions from 2 submitters: Uncertain significance (2). Last evaluated 2025-07-30.

Conditions:
Cardiovascular phenotype. Identifiers: MedGen CN230736.
Dilated cardiomyopathy 1W (CMD1W). Identifiers: Orphanet 154, MedGen C1969639, MONDO:0012667, OMIM 611407.

gnomAD v4.1: 12 of 1,614,134 alleles (0.00074%); highest among the groups gnomAD compares: Non-Finnish European, 0.001%; no homozygotes.

Submissions (2):

Labcorp Genetics (formerly Invitae), Labcorp
Classification: Uncertain significance for Dilated cardiomyopathy 1W. Last evaluated: 2025-07-30. Review status: criteria provided, single submitter. Criteria: Invitae Variant Classification Sherloc (09022015). Collection method: clinical testing. Allele origin: germline.
Comment: This sequence change replaces glycine, which is neutral and non-polar, with glutamic acid, which is acidic and polar, at codon 752 of the VCL protein (p.Gly752Glu). This variant is not present in population databases (gnomAD no frequency). This variant has not been reported in the literature in individuals affected with VCL-related conditions. ClinVar contains an entry for this variant (Variation ID: 1508124). An algorithm developed to predict the effect of missense changes on protein structure and function (PolyPhen-2) suggests that this variant is likely to be disruptive. In summary, the available evidence is currently insufficient to determine the role of this variant in disease. Therefore, it has been classified as a Variant of Uncertain Significance.

Ambry Genetics
Classification: Uncertain significance for Cardiovascular phenotype. Last evaluated: 2022-11-17. Review status: criteria provided, single submitter. Criteria: Ambry Variant Classification Scheme 2023. Collection method: clinical testing. Allele origin: germline.